The following is an entry in ClinVar:

NM_032634.4(PIGO):c.2854+7C>A

Gene: PIGO (phosphatidylinositol glycan anchor biosynthesis class O; minus strand). Cytogenetic location: 9p13.3.
Variant type: single nucleotide variant.
Coding change: c.2854+7C>A on transcript NM_032634.4 (MANE Select); 7 bases into the intron after coding-DNA position 2854, C replaced by A.
Molecular consequence: intron variant.
Genome position (GRCh38, 1-based): chr9:35,090,459, G>T on the plus strand (C>A on the coding strand, the complement: PIGO is on the minus strand). VCF-style: chr9-35090459-G-T. GRCh37 (hg19) VCF-style: chr9-35090456-G-T.
Other names: c.1603+7C>A (NM_152850.4, NM_001201484.2).
Identifiers: ClinVar variation 388945 (VCV000388945.17), dbSNP rs768338180, ClinGen allele CA5040325.
Genomic context (GRCh38, chr9:35,090,459, plus strand): 5'-CAGGGGTTTCCTTTCTTTCCACAAAGCCAGAGTAAACAATGGAAGCAAGTGAAGGAGGAG[G>T]GGGTACCTGCAAAGAGGAGGTGGGAGGCAAAGGTGTTGGCTCCCACTAGCAAAGCAGGCA-3'

ClinVar aggregate classification (germline): Conflicting classifications of pathogenicity. Review status: criteria provided, conflicting classifications (1 of 4 stars). 4 submissions from 4 submitters: Uncertain significance (1); Likely benign (3). Last evaluated 2026-01-19.

Conditions:
Hyperphosphatasia with impaired intellectual development syndrome 2. Also called: GLYCOSYLPHOSPHATIDYLINOSITOL BIOSYNTHESIS DEFECT 6; Hyperphosphatasia with intellectual disability syndrome 2. Identifiers: Orphanet 247262, MedGen C3553637, MONDO:0013882, OMIM 614749.

Allele frequency attached by ClinVar (database versions not stated): TOPMed 0.00013; gnomAD 0.00003.
gnomAD v4.1: 195 of 1,605,918 alleles (0.012%); highest among the groups gnomAD compares: Middle Eastern, 0.45%; no homozygotes.

Submissions (4):

Labcorp Genetics (formerly Invitae), Labcorp
Classification: Likely benign for Hyperphosphatasia with impaired intellectual development syndrome 2. Last evaluated: 2026-01-19. Review status: criteria provided, single submitter. Criteria: Invitae Variant Classification Sherloc (09022015). Collection method: clinical testing. Allele origin: germline.

Blueprint Genetics
Classification: Likely benign. Last evaluated: 2024-10-29. Review status: criteria provided, single submitter. Criteria: ACMG Guidelines, 2015. Collection method: clinical testing. Allele origin: germline.

Illumina Laboratory Services, Illumina
Classification: Uncertain significance for Hyperphosphatasia with impaired intellectual development syndrome 2. Last evaluated: 2018-01-13. Review status: criteria provided, single submitter. Criteria: ICSL Variant Classification Criteria 13 December 2019. Collection method: clinical testing. Allele origin: germline.

GeneDx
Classification: Likely benign. Last evaluated: 2017-03-24. Review status: criteria provided, single submitter. Criteria: GeneDx Variant Classification (06012015). Collection method: clinical testing. Allele origin: germline. Affected: yes.
Comment: This variant is considered likely benign or benign based on one or more of the following criteria: it is a conservative change, it occurs at a poorly conserved position in the protein, it is predicted to be benign by multiple in silico algorithms, and/or has population frequency not consistent with disease.